The following is an entry in ClinVar:

NM_001042492.3(NF1):c.2668C>T (p.Pro890Ser)

Gene: NF1 (neurofibromin 1; plus strand). Cytogenetic location: 17q11.2.
Variant type: single nucleotide variant.
Coding change: c.2668C>T on transcript NM_001042492.3 (MANE Select); coding-DNA position 2668, C replaced by T.
Protein change: p.Pro890Ser; replaces proline 890 with serine.
Molecular consequence: missense variant.
Genome position (GRCh38, 1-based): chr17:31,229,283, C>T. VCF-style: chr17-31229283-C-T. GRCh37 (hg19) VCF-style: chr17-29556301-C-T.
Other names: c.2668C>T, p.Pro890Ser (NM_000267.4); short protein forms P890S.
Identifiers: ClinVar variation 404446 (VCV000404446.7), dbSNP rs771012891, ClinGen allele CA16615465.

ClinVar aggregate classification (germline): Conflicting classifications of pathogenicity. Review status: criteria provided, conflicting classifications (1 of 4 stars). 2 submissions from 2 submitters: Uncertain significance (1); Benign (1). Last evaluated 2025-04-28.

Conditions:
Hereditary cancer-predisposing syndrome. Also called: Tumor predisposition; Neoplastic Syndromes, Hereditary; Hereditary Cancer Syndrome; Hereditary neoplastic syndrome. Identifiers: Orphanet 140162, MedGen C0027672, MeSH D009386, MONDO:0015356.
Cardiovascular phenotype. Identifiers: MedGen CN230736.
Neurofibromatosis, type 1 (NF1). Also called: Neurofibromatosis, type I; NEUROFIBROMATOSIS, TYPE I, SOMATIC; Peripheral type neurofibromatosis; VON RECKLINGHAUSEN DISEASE. Identifiers: Orphanet 636, MedGen C0027831, MONDO:0018975, OMIM 162200. Disease mechanism: loss of function.

Allele frequency attached by ClinVar (database versions not stated): gnomAD exomes below 0.00001; TOPMed 0.00001.
gnomAD v4.1: 1 of 1,613,808 alleles (0.000062%); highest among the groups gnomAD compares: Non-Finnish European, 0.000085%; no homozygotes.

Submissions (2):

Labcorp Genetics (formerly Invitae), Labcorp
Classification: Benign for Neurofibromatosis, type 1. Last evaluated: 2025-04-28. Review status: criteria provided, single submitter. Criteria: Invitae Variant Classification Sherloc (09022015). Collection method: clinical testing. Allele origin: germline.

Ambry Genetics
Classification: Uncertain significance for Cardiovascular phenotype; Hereditary cancer-predisposing syndrome. Last evaluated: 2024-02-22. Review status: criteria provided, single submitter. Criteria: Ambry Variant Classification Scheme 2023. Collection method: clinical testing. Allele origin: germline.
Comment: The p.P890S variant (also known as c.2668C>T), located in coding exon 21 of the NF1 gene, results from a C to T substitution at nucleotide position 2668. The proline at codon 890 is replaced by serine, an amino acid with similar properties. This amino acid position is conserved. In addition, the in silico prediction for this alteration is inconclusive. Based on the available evidence, the clinical significance of this alteration remains unclear.